The following is an entry in ClinVar:

ClinVar aggregate classification (germline): Pathogenic (1 of 4 stars; one submission).

Conditions:
Hereditary cancer-predisposing syndrome. Also called: Neoplastic Syndromes, Hereditary; Tumor predisposition; Hereditary Cancer Syndrome; Hereditary neoplastic syndrome. Identifiers: Orphanet 140162, MedGen C0027672, MeSH D009386, MONDO:0015356.

Submission:

Ambry Genetics
Classification: Pathogenic for Hereditary cancer-predisposing syndrome. Last evaluated: 2022-10-21. Review status: criteria provided, single submitter. Criteria: Ambry Variant Classification Scheme 2023. Collection method: clinical testing. Allele origin: germline.
Comment: The p.S553* pathogenic mutation (also known as c.1658C>G), located in coding exon 11 of the PMS2 gene, results from a C to G substitution at nucleotide position 1658. This changes the amino acid from a serine to a stop codon within coding exon 11. This alteration is expected to result in loss of function by premature protein truncation or nonsense-mediated mRNA decay. As such, this alteration is interpreted as a disease-causing mutation.

NM_000535.7(PMS2):c.1658C>G (p.Ser553Ter)

Gene: PMS2 (PMS1 homolog 2, mismatch repair system component; minus strand). Cytogenetic location: 7p22.1.
Variant type: single nucleotide variant.
Coding change: c.1658C>G on transcript NM_000535.7 (MANE Select); coding-DNA position 1658, C replaced by G.
Protein change: p.Ser553Ter; replaces serine 553 with a stop codon.
Molecular consequence: nonsense. On other transcripts: non-coding transcript variant (1).
Genome position (GRCh38, 1-based): chr7:5,987,107, G>C on the plus strand (C>G on the coding strand, the complement: PMS2 is on the minus strand). VCF-style: chr7-5987107-G-C. GRCh37 (hg19) VCF-style: chr7-6026738-G-C.
Other names: c.1097C>G, p.Ser366Ter (NM_001406907.1, NM_001322010.2, NM_001406906.1); c.1253C>G, p.Ser418Ter (NM_001406910.1, NM_001406908.1, NM_001018040.1 and 17 more transcripts); c.887C>G, p.Ser296Ter (NM_001406911.1); c.1085C>G, p.Ser362Ter (NM_001406909.1, NM_001322013.2); c.1502C>G, p.Ser501Ter (NM_001322006.2, NM_001406870.1); c.1340C>G, p.Ser447Ter (NM_001322007.2, NM_001322008.2, NM_001406876.1 and 2 more transcripts); c.725C>G, p.Ser242Ter (NM_001322011.2, NM_001322012.2); c.1658C>G, p.Ser553Ter (NM_001322014.2, NM_001406871.1, NM_001406872.1); and 12 more; short protein forms S445*, S447*, S501*, S242*, S366*, S398*, S431*, S487*.
Identifiers: ClinVar variation 1777394 (VCV001777394.2), dbSNP rs2128725871, ClinGen allele CA366741338.